The following is an entry in ClinVar:

NM_005076.5(CNTN2):c.2432-2A>G

Gene: CNTN2 (contactin 2; plus strand). Cytogenetic location: 1q32.1.
Variant type: single nucleotide variant.
Coding change: c.2432-2A>G on transcript NM_005076.5 (MANE Select); the canonical splice acceptor site of the intron before coding-DNA position 2432, A replaced by G.
Molecular consequence: splice acceptor variant.
Genome position (GRCh38, 1-based): chr1:205,070,424, A>G. VCF-style: chr1-205070424-A-G. GRCh37 (hg19) VCF-style: chr1-205039552-A-G.
Other names: c.2432-2A>G (NM_001346083.2).
Identifiers: ClinVar variation 807904 (VCV000807904.45), dbSNP rs1196223064, ClinGen allele CA344380094.

ClinVar aggregate classification (germline): Likely pathogenic. Review status: criteria provided, multiple submitters, no conflicts (2 of 4 stars). 2 submissions from 2 submitters: Likely pathogenic (2). Last evaluated 2023-10-06.

Conditions:
Epilepsy, familial adult myoclonic, 5 (EPEO5). Also called: CORTICAL MYOCLONIC TREMOR WITH EPILEPSY, FAMILIAL, 5. Identifiers: Orphanet 86814, MedGen C3809374, MONDO:0014167, OMIM 615400.

Allele frequency attached by ClinVar (database versions not stated): gnomAD 0.00001; TOPMed 0.00001.
gnomAD v4.1: 1 of 1,610,286 alleles (0.000062%); highest among the groups gnomAD compares: Non-Finnish European, 0.000085%; no homozygotes.

Submissions (2):

Labcorp Genetics (formerly Invitae), Labcorp
Classification: Likely pathogenic for Epilepsy, familial adult myoclonic, 5. Last evaluated: 2023-10-06. Review status: criteria provided, single submitter. Criteria: Invitae Variant Classification Sherloc (09022015). Collection method: clinical testing. Allele origin: germline.
Comment: This sequence change affects an acceptor splice site in intron 18 of the CNTN2 gene. It is expected to disrupt RNA splicing. Variants that disrupt the donor or acceptor splice site typically lead to a loss of protein function (PMID: 16199547), and loss-of-function variants in CNTN2 are known to be pathogenic (PMID: 11178983, 23518707). This variant is not present in population databases (gnomAD no frequency). This variant has not been reported in the literature in individuals affected with CNTN2-related conditions. ClinVar contains an entry for this variant (Variation ID: 807904). Algorithms developed to predict the effect of sequence changes on RNA splicing suggest that this variant may disrupt the consensus splice site. In summary, the currently available evidence indicates that the variant is pathogenic, but additional data are needed to prove that conclusively. Therefore, this variant has been classified as Likely Pathogenic.

CeGaT Center for Human Genetics Tuebingen
Classification: Likely pathogenic. Last evaluated: 2016-05-01. Review status: criteria provided, single submitter. Criteria: CeGaT Center For Human Genetics Tuebingen Variant Classification Criteria Version 2. Collection method: clinical testing. Allele origin: germline. Affected: yes. Observed: 1 variant allele.

Literature cited by the submitters: PubMed 16199547 (cited by Labcorp Genetics (formerly Invitae), Labcorp); PubMed 11178983 (cited by Labcorp Genetics (formerly Invitae), Labcorp); PubMed 23518707 (cited by Labcorp Genetics (formerly Invitae), Labcorp).